The following is an entry in ClinVar:

NM_016169.4(SUFU):c.183-4G>A

Gene: SUFU (SUFU negative regulator of hedgehog signaling; plus strand). Cytogenetic location: 10q24.32.
Variant type: single nucleotide variant.
Coding change: c.183-4G>A on transcript NM_016169.4 (MANE Select); 4 bases into the intron before coding-DNA position 183, G replaced by A.
Molecular consequence: intron variant.
Genome position (GRCh38, 1-based): chr10:102,509,165, G>A. VCF-style: chr10-102509165-G-A. GRCh37 (hg19) VCF-style: chr10-104268922-G-A.
Other names: c.183-4G>A (NM_001178133.2).
Identifiers: ClinVar variation 241084 (VCV000241084.21), dbSNP rs766044613, ClinGen allele CA5667631.

ClinVar aggregate classification (germline): Conflicting classifications of pathogenicity. Review status: criteria provided, conflicting classifications (1 of 4 stars). 6 submissions from 6 submitters: Uncertain significance (1); Benign (2); Likely benign (2). 1 of the submissions does not count toward it. Last evaluated 2025-12-24.

Conditions:
SUFU-related disorder. Also called: SUFU-related disorders; SUFU-related condition.
Hereditary cancer-predisposing syndrome. Also called: Neoplastic Syndromes, Hereditary; Hereditary Cancer Syndrome; Tumor predisposition; Hereditary neoplastic syndrome. Identifiers: Orphanet 140162, MedGen C0027672, MeSH D009386, MONDO:0015356.
Medulloblastoma (MDB). Also called: Medulloblastoma, somatic; MEDULLOBLASTOMA PREDISPOSITION SYNDROME. Identifiers: Orphanet 616, MedGen C0025149, MeSH D008527, MONDO:0007959, OMIM 155255, HP:0002885.
Gorlin syndrome. Also called: Nevoid Basal Cell Carcinoma Syndrome; Basal cell nevus syndrome. Identifiers: Orphanet 377, MedGen C0004779, MONDO:0007187.

Allele frequency attached by ClinVar (database versions not stated): gnomAD 0.00005; TOPMed 0.00009; gnomAD exomes 0.00010 and 0.00023; ExAC 0.00026.
gnomAD v4.1: 70 of 1,613,754 alleles (0.0043%); highest among the groups gnomAD compares: Admixed American, 0.11%; 2 homozygotes.

Submissions (6):

Labcorp Genetics (formerly Invitae), Labcorp
Classification: Benign for Gorlin syndrome; Medulloblastoma. Last evaluated: 2025-12-24. Review status: criteria provided, single submitter. Criteria: Invitae Variant Classification Sherloc (09022015). Collection method: clinical testing. Allele origin: germline.

Quest Diagnostics Nichols Institute San Juan Capistrano
Classification: Benign. Last evaluated: 2022-09-01. Review status: criteria provided, single submitter. Criteria: Quest Diagnostics criteria. Collection method: clinical testing. Allele origin: unknown.

Blueprint Genetics
Classification: Likely benign. Last evaluated: 2022-05-10. Review status: criteria provided, single submitter. Criteria: ACMG Guidelines, 2015. Collection method: clinical testing. Allele origin: germline.

Baylor Genetics
Classification: Uncertain significance for Basal cell nevus syndrome 1. Last evaluated: 2019-07-05. Review status: criteria provided, single submitter. Criteria: ACMG Guidelines, 2015. Collection method: clinical testing. Allele origin: maternal. Affected: yes. Study: CSER-TexasKidsCanSeq.
Comment: This variant was determined to be of uncertain significance according to ACMG Guidelines, 2015 [PMID:25741868].

Ambry Genetics
Classification: Likely benign for Hereditary cancer-predisposing syndrome. Last evaluated: 2019-04-29. Review status: criteria provided, single submitter. Criteria: Ambry Variant Classification Scheme 2023. Collection method: clinical testing. Allele origin: germline.

PreventionGenetics, part of Exact Sciences
Classification: Likely benign for SUFU-related condition. Last evaluated: 2019-09-04. Review status: no assertion criteria provided. Collection method: clinical testing. Allele origin: germline. Not counted in ClinVar's aggregate classification.
Comment: This variant is classified as likely benign based on ACMG/AMP sequence variant interpretation guidelines (Richards et al. 2015 PMID: 25741868, with internal and published modifications).